The following is an entry in ClinVar:

ClinVar aggregate classification (germline): Pathogenic (1 of 4 stars; one submission).

Conditions:
Dihydropyrimidine dehydrogenase deficiency (DPYDD). Also called: DPD DEFICIENCY; DPYD DEFICIENCY; Hereditary Thymine-Uraciluria. Identifiers: Orphanet 1675, MedGen C1959620, MONDO:0010130, OMIM 274270.

Submission:

Myriad Genetics, Inc.
Classification: Pathogenic for Dihydropyrimidine dehydrogenase deficiency. Last evaluated: 2024-12-22. Review status: criteria provided, single submitter. Criteria: Myriad Autosomal Dominant, Autosomal Recessive and X-Linked Classification Criteria (2023). Collection method: clinical testing. Allele origin: unknown.
Comment: NM_000110.3(DPYD):c.2176G>T(E726*) is expected to be pathogenic in the context of dihydropyrimidine dehydrogenase deficiency. This variant is predicted to lead to an abnormal or absent protein product due to the creation of a premature termination codon in DPYD, a gene where loss-of-function variants are known to be pathogenic. Please note: this variant was assessed in the context of healthy population screening.

NM_000110.4(DPYD):c.2176G>T (p.Glu726Ter)

Genes: DPYD (dihydropyrimidine dehydrogenase; minus strand), DPYD-AS1 (DPYD antisense RNA 1; plus strand). Cytogenetic location: 1p21.3.
Variant type: single nucleotide variant.
Coding change: c.2176G>T on transcript NM_000110.4 (MANE Select); coding-DNA position 2176, G replaced by T.
Protein change: p.Glu726Ter; replaces glutamic acid 726 with a stop codon.
Molecular consequence: nonsense.
Genome position (GRCh38, 1-based): chr1:97,306,180, C>A on the plus strand (G>T on the coding strand, the complement: DPYD is on the minus strand). VCF-style: chr1-97306180-C-A. GRCh37 (hg19) VCF-style: chr1-97771736-C-A.
Other names: short protein forms E726*.
Identifiers: ClinVar variation 5013884 (VCV005013884.1).
Genomic context (GRCh38, chr1:97,306,180, plus strand): 5'-ACATAATGTGGGCCAATATTTACAATAGCGGGCAACTGATTCAAGTCAAGTTCTTACCTT[C>A]CTTTGCAGCTCTTGCGATGCTCACAATATCAGTGACATTTGGGGTCAGCTTGGCAAAAAA-3'